The following is an entry in ClinVar:

ClinVar aggregate classification (germline): Uncertain significance (1 of 4 stars; one submission).

Submission:

Labcorp Genetics (formerly Invitae), Labcorp
Classification: Uncertain significance. Last evaluated: 2025-05-19. Review status: criteria provided, single submitter. Criteria: Invitae Variant Classification Sherloc (09022015). Collection method: clinical testing. Allele origin: germline.
Comment: This sequence change replaces glycine, which is neutral and non-polar, with glutamic acid, which is acidic and polar, at codon 2530 of the FAT4 protein (p.Gly2530Glu). This variant is not present in population databases (gnomAD no frequency). This variant has not been reported in the literature in individuals affected with FAT4-related conditions. ClinVar contains an entry for this variant (Variation ID: 1525514). Invitae Evidence Modeling of protein sequence and biophysical properties (such as structural, functional, and spatial information, amino acid conservation, physicochemical variation, residue mobility, and thermodynamic stability) indicates that this missense variant is not expected to disrupt FAT4 protein function with a negative predictive value of 95%. In summary, the available evidence is currently insufficient to determine the role of this variant in disease. Therefore, it has been classified as a Variant of Uncertain Significance.

NM_001291303.3(FAT4):c.7595G>A (p.Gly2532Glu)

Gene: FAT4 (FAT atypical cadherin 4; plus strand). Cytogenetic location: 4q28.1.
Variant type: single nucleotide variant.
Coding change: c.7595G>A on transcript NM_001291303.3 (MANE Select); coding-DNA position 7595, G replaced by A.
Protein change: p.Gly2532Glu; replaces glycine 2532 with glutamic acid.
Molecular consequence: missense variant.
Genome position (GRCh38, 1-based): chr4:125,448,605, G>A. VCF-style: chr4-125448605-G-A. GRCh37 (hg19) VCF-style: chr4-126369760-G-A.
Other names: c.7595G>A, p.Gly2532Glu (NM_001291285.3); c.7589G>A, p.Gly2530Glu (NM_024582.6); short protein forms G2530E, G2532E.
Identifiers: ClinVar variation 1525514 (VCV001525514.6), dbSNP rs2126056817, ClinGen allele CA358140521.